The following is an entry in ClinVar:

NM_001987.5(ETV6):c.685C>T (p.His229Tyr)

Gene: ETV6 (ETS variant transcription factor 6; plus strand). Cytogenetic location: 12p13.2.
Variant type: single nucleotide variant.
Coding change: c.685C>T on transcript NM_001987.5 (MANE Select); coding-DNA position 685, C replaced by T.
Protein change: p.His229Tyr; replaces histidine 229 with tyrosine.
Molecular consequence: missense variant.
Genome position (GRCh38, 1-based): chr12:11,869,645, C>T. VCF-style: chr12-11869645-C-T. GRCh37 (hg19) VCF-style: chr12-12022579-C-T.
Other names: c.682C>T, p.His228Tyr (NM_001413913.1); c.658C>T, p.His220Tyr (NM_001413914.1); c.421C>T, p.His141Tyr (NM_001413915.1); c.685C>T, p.His229Tyr (NM_001413916.1, NM_001413917.1); short protein forms H220Y, H228Y, H229Y, H141Y.
Identifiers: ClinVar variation 3846514 (VCV003846514.1).

ClinVar aggregate classification (germline): Uncertain significance (1 of 4 stars; one submission).

Conditions:
Inborn genetic diseases. Identifiers: MedGen C0950123, MeSH D030342.

Submission:

Ambry Genetics
Classification: Uncertain significance for Inborn genetic diseases. Last evaluated: 2025-01-22. Review status: criteria provided, single submitter. Criteria: Ambry Variant Classification Scheme 2023. Collection method: clinical testing. Allele origin: germline.
Comment: The p.H229Y variant (also known as c.685C>T), located in coding exon 5 of the ETV6 gene, results from a C to T substitution at nucleotide position 685. The histidine at codon 229 is replaced by tyrosine, an amino acid with similar properties. This amino acid position is conserved. In addition, the in silico prediction for this alteration is inconclusive. Based on the available evidence, the clinical significance of this variant remains unclear.